The following is an entry in ClinVar:

ClinVar aggregate classification (germline): Conflicting classifications of pathogenicity. Review status: criteria provided, conflicting classifications (1 of 4 stars). 4 submissions from 4 submitters: Uncertain significance (3); Likely benign (1). Last evaluated 2025-07-27.

Conditions:
Familial cancer of breast. Also called: BREAST CANCER, FAMILIAL; Hereditary breast cancer; hereditary breast carcinoma. Identifiers: Orphanet 227535, MedGen C0346153, MONDO:0016419, OMIM 114480. Disease mechanism: loss of function.
Hereditary cancer-predisposing syndrome. Also called: Hereditary Cancer Syndrome; Neoplastic Syndromes, Hereditary; Tumor predisposition; Hereditary neoplastic syndrome. Identifiers: Orphanet 140162, MedGen C0027672, MeSH D009386, MONDO:0015356.

Allele frequency attached by ClinVar (database versions not stated): gnomAD exomes below 0.00001; TOPMed 0.00001; gnomAD 0.00002.

Submissions (4):

Labcorp Genetics (formerly Invitae), Labcorp
Classification: Uncertain significance for Familial cancer of breast. Last evaluated: 2025-07-27. Review status: criteria provided, single submitter. Criteria: Invitae Variant Classification Sherloc (09022015). Collection method: clinical testing. Allele origin: germline.
Comment: This sequence change replaces methionine, which is neutral and non-polar, with valine, which is neutral and non-polar, at codon 104 of the BARD1 protein (p.Met104Val). This variant is present in population databases (no rsID available, gnomAD 0.01%). This variant has not been reported in the literature in individuals affected with BARD1-related conditions. ClinVar contains an entry for this variant (Variation ID: 481367). An algorithm developed to predict the effect of missense changes on protein structure and function (PolyPhen-2) suggests that this variant is likely to be disruptive. In summary, the available evidence is currently insufficient to determine the role of this variant in disease. Therefore, it has been classified as a Variant of Uncertain Significance.

Color Diagnostics, LLC DBA Color Health
Classification: Likely benign for Hereditary cancer-predisposing syndrome. Last evaluated: 2025-06-10. Review status: criteria provided, single submitter. Criteria: ACMG Guidelines, 2015. Collection method: clinical testing. Allele origin: germline.

Ambry Genetics
Classification: Uncertain significance for Hereditary cancer-predisposing syndrome. Last evaluated: 2025-05-02. Review status: criteria provided, single submitter. Criteria: Ambry Variant Classification Scheme 2023. Collection method: clinical testing. Allele origin: germline.
Comment: The p.M104V variant (also known as c.310A>G), located in coding exon 3 of the BARD1 gene, results from an A to G substitution at nucleotide position 310. The methionine at codon 104 is replaced by valine, an amino acid with highly similar properties. This variant was identified in a cohort of 3,579 African males diagnosed with prostate cancer who underwent multi-gene panel testing of 19 DNA repair and cancer predisposition genes (Matejcic M et al. JCO Precis Oncol, 2020 Jan;4:32-43). This amino acid position is well conserved in available vertebrate species. In addition, this alteration is predicted to be tolerated by in silico analysis. Based on the available evidence, the clinical significance of this variant remains unclear.

GeneDx
Classification: Uncertain significance. Last evaluated: 2024-09-13. Review status: criteria provided, single submitter. Criteria: GeneDx Variant Classification Process June 2021. Collection method: clinical testing. Allele origin: germline. Affected: yes.
Comment: Identified in individuals with prostate cancer (PMID: 32832836); In silico analysis indicates that this missense variant does not alter protein structure/function; Not observed at significant frequency in large population cohorts (gnomAD); This variant is associated with the following publications: (PMID: 32832836, 14647430, 18480049, 36243179)

Literature cited by the submitters: PubMed 32832836 (cited by Ambry Genetics).

NM_000465.4(BARD1):c.310A>G (p.Met104Val)

Gene: BARD1 (BRCA1 associated RING domain 1; minus strand). Cytogenetic location: 2q35.
Variant type: single nucleotide variant.
Coding change: c.310A>G on transcript NM_000465.4 (MANE Select); coding-DNA position 310, A replaced by G.
Protein change: p.Met104Val; replaces methionine 104 with valine.
Molecular consequence: missense variant. On other transcripts: non-coding transcript variant (1), intron variant (2).
Genome position (GRCh38, 1-based): chr2:214,792,351, T>C on the plus strand (A>G on the coding strand, the complement: BARD1 is on the minus strand). VCF-style: chr2-214792351-T-C. GRCh37 (hg19) VCF-style: chr2-215657075-T-C.
Other names: c.253A>G, p.Met85Val (NM_001282543.2); c.310A>G, p.Met104Val (NM_001282549.2); c.158+17061A>G (NM_001282548.2); c.215+4710A>G (NM_001282545.2); short protein forms M104V, M85V.
Identifiers: ClinVar variation 481367 (VCV000481367.20), dbSNP rs1401565860, ClinGen allele CA350460951.
Genomic context (GRCh38, chr2:214,792,351, plus strand): 5'-TCTTACCTGACAGCTCATTGTCATGTAGCAAATTTCGAAGCTTACTACAAAGTTGAATCA[T>C]GCTGTCCAGTTGTCTATTTATCTTCAAGTCTTGTATCCAGGCCGGGGTGTAACACACTGG-3'
Protein context (NP_000456.2, residues 94-114): DLKINRQLDS[Met104Val]IQLCSKLRNL